The following is an entry in ClinVar:

NM_000748.3(CHRNB2):c.1378C>T (p.Arg460Cys)

Gene: CHRNB2 (cholinergic receptor nicotinic beta 2 subunit; plus strand). Cytogenetic location: 1q21.3.
Variant type: single nucleotide variant.
Coding change: c.1378C>T on transcript NM_000748.3 (MANE Select); coding-DNA position 1378, C replaced by T.
Protein change: p.Arg460Cys; replaces arginine 460 with cysteine.
Molecular consequence: missense variant.
Genome position (GRCh38, 1-based): chr1:154,575,801, C>T. VCF-style: chr1-154575801-C-T. GRCh37 (hg19) VCF-style: chr1-154548277-C-T.
Other names: c.1378C>T (NM_000748.2); short protein forms R460C.
Identifiers: ClinVar variation 1356911 (VCV001356911.10), dbSNP rs202079239, ClinGen allele CA1130868.

ClinVar aggregate classification (germline): Conflicting classifications of pathogenicity. Review status: criteria provided, conflicting classifications (1 of 4 stars). 3 submissions from 3 submitters: Uncertain significance (2); Likely benign (1). Last evaluated 2023-07-20.

Conditions:
Familial sleep-related hypermotor epilepsy. Also called: Autosomal Dominant Sleep-Related Hypermotor (Hyperkinetic) Epilepsy. Identifiers: Orphanet 98784, MedGen C3696898, MONDO:0000030.
Inborn genetic diseases. Identifiers: MedGen C0950123, MeSH D030342.

gnomAD v4.1: 25 of 1,613,996 alleles (0.0015%); highest among the groups gnomAD compares: South Asian, 0.0022%; no homozygotes.

Submissions (3):

Blueprint Genetics
Classification: Uncertain significance. Last evaluated: 2023-07-20. Review status: criteria provided, single submitter. Criteria: ACMG Guidelines, 2015. Collection method: clinical testing. Allele origin: germline.

Labcorp Genetics (formerly Invitae), Labcorp
Classification: Uncertain significance. Last evaluated: 2023-07-09. Review status: criteria provided, single submitter. Criteria: Invitae Variant Classification Sherloc (09022015). Collection method: clinical testing. Allele origin: germline.
Comment: ClinVar contains an entry for this variant (Variation ID: 1356911). In summary, the available evidence is currently insufficient to determine the role of this variant in disease. Therefore, it has been classified as a Variant of Uncertain Significance. Advanced modeling of protein sequence and biophysical properties (such as structural, functional, and spatial information, amino acid conservation, physicochemical variation, residue mobility, and thermodynamic stability) performed at Invitae indicates that this missense variant is expected to disrupt CHRNB2 protein function. This variant has not been reported in the literature in individuals affected with CHRNB2-related conditions. This variant is present in population databases (rs202079239, gnomAD 0.02%). This sequence change replaces arginine, which is basic and polar, with cysteine, which is neutral and slightly polar, at codon 460 of the CHRNB2 protein (p.Arg460Cys).

Ambry Genetics
Classification: Likely benign for Inborn genetic diseases. Last evaluated: 2022-12-06. Review status: criteria provided, single submitter. Criteria: Ambry Variant Classification Scheme 2023. Collection method: clinical testing. Allele origin: germline.